The following is an entry in ClinVar:

ClinVar aggregate classification (germline): Uncertain significance. Review status: criteria provided, multiple submitters, no conflicts (2 of 4 stars). 3 submissions from 3 submitters: Uncertain significance (3). Last evaluated 2024-10-02.

Conditions:
Distal myopathy with posterior leg and anterior hand involvement. Also called: WILLIAMS DISTAL MYOPATHY. Identifiers: Orphanet 63273, MedGen C3279722, MONDO:0013550, OMIM 614065.
Myofibrillar myopathy 5. Also called: Filaminopathy (type); FILAMINOPATHY, AUTOSOMAL DOMINANT. Identifiers: Orphanet 171445, MedGen C1836050, MONDO:0012289, OMIM 609524.
Dilated Cardiomyopathy, Dominant.
Hypertrophic cardiomyopathy 26. Also called: Cardiomyopathy, familial hypertrophic, 26. Identifiers: Orphanet 75249, MedGen C4310749, MONDO:0014883, OMIM 617047.
Cardiovascular phenotype. Identifiers: MedGen CN230736.

Allele frequency attached by ClinVar (database versions not stated): gnomAD exomes below 0.00001; TOPMed 0.00001.
gnomAD v4.1: 1 of 1,613,040 alleles (0.000062%); highest among the groups gnomAD compares: Non-Finnish European, 0.000085%; no homozygotes.

Submissions (3):

GeneDx
Classification: Uncertain significance. Last evaluated: 2024-10-02. Review status: criteria provided, single submitter. Criteria: GeneDx Variant Classification Process June 2021. Collection method: clinical testing. Allele origin: germline. Affected: yes.
Comment: Not observed at significant frequency in large population cohorts (gnomAD); In silico analysis supports that this missense variant has a deleterious effect on protein structure/function; Has not been previously published as pathogenic or benign to our knowledge

Ambry Genetics
Classification: Uncertain significance for Cardiovascular phenotype. Last evaluated: 2023-03-07. Review status: criteria provided, single submitter. Criteria: Ambry Variant Classification Scheme 2023. Collection method: clinical testing. Allele origin: germline.
Comment: The p.K26E variant (also known as c.76A>G), located in coding exon 1 of the FLNC gene, results from an A to G substitution at nucleotide position 76. The lysine at codon 26 is replaced by glutamic acid, an amino acid with similar properties. This amino acid position is conserved. In addition, the in silico prediction for this alteration is inconclusive. Since supporting evidence is limited at this time, the clinical significance of this alteration remains unclear.

Labcorp Genetics (formerly Invitae), Labcorp
Classification: Uncertain significance for Distal myopathy with posterior leg and anterior hand involvement; Myofibrillar myopathy 5; Hypertrophic cardiomyopathy 26. Last evaluated: 2022-02-04. Review status: criteria provided, single submitter. Criteria: Invitae Variant Classification Sherloc (09022015). Collection method: clinical testing. Allele origin: germline.
Comment: In summary, the available evidence is currently insufficient to determine the role of this variant in disease. Therefore, it has been classified as a Variant of Uncertain Significance. Algorithms developed to predict the effect of missense changes on protein structure and function (SIFT, PolyPhen-2, Align-GVGD) all suggest that this variant is likely to be tolerated. ClinVar contains an entry for this variant (Variation ID: 569267). This variant has not been reported in the literature in individuals affected with FLNC-related conditions. This variant is not present in population databases (gnomAD no frequency). This sequence change replaces lysine, which is basic and polar, with glutamic acid, which is acidic and polar, at codon 26 of the FLNC protein (p.Lys26Glu).

NM_001458.5(FLNC):c.76A>G (p.Lys26Glu)

Gene: FLNC (filamin C; plus strand). Cytogenetic location: 7q32.1.
Variant type: single nucleotide variant.
Coding change: c.76A>G on transcript NM_001458.5 (MANE Select); coding-DNA position 76, A replaced by G.
Protein change: p.Lys26Glu; replaces lysine 26 with glutamic acid.
Molecular consequence: missense variant.
Genome position (GRCh38, 1-based): chr7:128,830,713, A>G. VCF-style: chr7-128830713-A-G. GRCh37 (hg19) VCF-style: chr7-128470767-A-G.
Other names: c.76A>G, p.Lys26Glu (NM_001127487.2); short protein forms K26E.
Identifiers: ClinVar variation 569267 (VCV000569267.10), dbSNP rs1562988843, ClinGen allele CA369215620.